The following is an entry in ClinVar:

NM_014956.5(CEP164):c.679G>A (p.Asp227Asn)

Gene: CEP164 (centrosomal protein 164; plus strand). Cytogenetic location: 11q23.3.
Variant type: single nucleotide variant.
Coding change: c.679G>A on transcript NM_014956.5 (MANE Select); coding-DNA position 679, G replaced by A.
Protein change: p.Asp227Asn; replaces aspartic acid 227 with asparagine.
Molecular consequence: missense variant.
Genome position (GRCh38, 1-based): chr11:117,362,530, G>A. VCF-style: chr11-117362530-G-A. GRCh37 (hg19) VCF-style: chr11-117233246-G-A.
Other names: c.679G>A, p.Asp227Asn (NM_001271933.2); short protein forms D227N.
Identifiers: ClinVar variation 2066641 (VCV002066641.4), dbSNP rs2540957510, ClinGen allele CA382732614.

ClinVar aggregate classification (germline): Uncertain significance (1 of 4 stars; one submission).

Conditions:
Nephronophthisis 15 (NPHP15). Identifiers: Orphanet 3156, MedGen C3541853, MONDO:0013917, OMIM 614845.

Submission:

Labcorp Genetics (formerly Invitae), Labcorp
Classification: Uncertain significance for Nephronophthisis 15. Last evaluated: 2021-12-31. Review status: criteria provided, single submitter. Criteria: Invitae Variant Classification Sherloc (09022015). Collection method: clinical testing. Allele origin: germline.
Comment: In summary, the available evidence is currently insufficient to determine the role of this variant in disease. Therefore, it has been classified as a Variant of Uncertain Significance. Algorithms developed to predict the effect of missense changes on protein structure and function are either unavailable or do not agree on the potential impact of this missense change (SIFT: "Deleterious"; PolyPhen-2: "Benign"; Align-GVGD: "Class C0"). This variant has not been reported in the literature in individuals affected with CEP164-related conditions. This variant is not present in population databases (gnomAD no frequency). This sequence change replaces aspartic acid, which is acidic and polar, with asparagine, which is neutral and polar, at codon 227 of the CEP164 protein (p.Asp227Asn).